The following is an entry in ClinVar:

NM_000789.4(ACE):c.1081G>A (p.Ala361Thr)

Gene: ACE (angiotensin I converting enzyme; plus strand). Cytogenetic location: 17q23.3.
Variant type: single nucleotide variant.
Coding change: c.1081G>A on transcript NM_000789.4 (MANE Select); coding-DNA position 1081, G replaced by A.
Protein change: p.Ala361Thr; replaces alanine 361 with threonine.
Molecular consequence: missense variant. On other transcripts: intron variant (1).
Genome position (GRCh38, 1-based): chr17:63,481,701, G>A. VCF-style: chr17-63481701-G-A. GRCh37 (hg19) VCF-style: chr17-61559062-G-A.
Other names: c.229G>A, p.Ala77Thr (NM_001382701.1); c.472+513G>A (NM_001382700.1); c.1081G>A (NM_000789.3); short protein forms A77T, A361T.
Identifiers: ClinVar variation 2046880 (VCV002046880.6), dbSNP rs546455400, ClinGen allele CA8699379.

ClinVar aggregate classification (germline): Uncertain significance. Review status: criteria provided, multiple submitters, no conflicts (2 of 4 stars). 2 submissions from 2 submitters: Uncertain significance (2). Last evaluated 2025-06-12.

Conditions:
Inborn genetic diseases. Identifiers: MedGen C0950123, MeSH D030342.

Allele frequency attached by ClinVar (database versions not stated): gnomAD 0.00003; ExAC 0.00004; TOPMed 0.00005; 1000 Genomes Project 30x 0.00016; 1000 Genomes Project 0.00020.
gnomAD v4.1: 32 of 1,614,154 alleles (0.002%); highest among the groups gnomAD compares: East Asian, 0.025%; no homozygotes.

Submissions (2):

Labcorp Genetics (formerly Invitae), Labcorp
Classification: Uncertain significance. Last evaluated: 2025-06-12. Review status: criteria provided, single submitter. Criteria: Invitae Variant Classification Sherloc (09022015). Collection method: clinical testing. Allele origin: germline.
Comment: This sequence change replaces alanine, which is neutral and non-polar, with threonine, which is neutral and polar, at codon 361 of the ACE protein (p.Ala361Thr). This variant is present in population databases (rs546455400, gnomAD 0.07%). This variant has not been reported in the literature in individuals affected with ACE-related conditions. ClinVar contains an entry for this variant (Variation ID: 2046880). Invitae Evidence Modeling of protein sequence and biophysical properties (such as structural, functional, and spatial information, amino acid conservation, physicochemical variation, residue mobility, and thermodynamic stability) has been performed for this missense variant. However, the output from this modeling did not meet the statistical confidence thresholds required to predict the impact of this variant on ACE protein function. In summary, the available evidence is currently insufficient to determine the role of this variant in disease. Therefore, it has been classified as a Variant of Uncertain Significance.

Ambry Genetics
Classification: Uncertain significance for Inborn genetic diseases. Last evaluated: 2023-05-18. Review status: criteria provided, single submitter. Criteria: Ambry Variant Classification Scheme 2023. Collection method: clinical testing. Allele origin: germline.